The following is an entry in ClinVar:

NM_001378454.1(ALMS1):c.3416T>C (p.Val1139Ala)

Gene: ALMS1 (ALMS1 centrosome and basal body associated protein; plus strand). Cytogenetic location: 2p13.1.
Variant type: single nucleotide variant.
Coding change: c.3416T>C on transcript NM_001378454.1 (MANE Select); coding-DNA position 3416, T replaced by C.
Protein change: p.Val1139Ala; replaces valine 1139 with alanine.
Molecular consequence: missense variant.
Genome position (GRCh38, 1-based): chr2:73,449,943, T>C. VCF-style: chr2-73449943-T-C. GRCh37 (hg19) VCF-style: chr2-73677070-T-C.
Other names: c.3419T>C, p.Val1140Ala (NM_015120.4); short protein forms V1140A, V1139A.
Identifiers: ClinVar variation 2155608 (VCV002155608.3), dbSNP rs2466098091, ClinGen allele CA347275578.
Genomic context (GRCh38, chr2:73,449,943, plus strand): 5'-AGGCTCTGAAAATTTCAGTAGCTCCTGGACTAGCAGACCAGAAGACTGGCACACCAACTG[T>C]AACCTCAACTTCCTACTCACAACATAGAGAAAAGCCCAGCATTTTCCACCAGCAGGCCTT-3'
Protein context (NP_001365383.1, residues 1129-1149): LADQKTGTPT[Val1139Ala]TSTSYSQHRE

ClinVar aggregate classification (germline): Uncertain significance (1 of 4 stars; one submission).

Conditions:
Alstrom syndrome (ALMS). Identifiers: Orphanet 64, MedGen C0268425, MONDO:0008763, OMIM 203800.

Allele frequency attached by ClinVar (database versions not stated): gnomAD exomes below 0.00001.
gnomAD v4.1: 2 of 1,613,872 alleles (0.00012%); highest among the groups gnomAD compares: Non-Finnish European, 0.000085%; no homozygotes.

Submission:

Labcorp Genetics (formerly Invitae), Labcorp
Classification: Uncertain significance for Alstrom syndrome. Last evaluated: 2024-05-20. Review status: criteria provided, single submitter. Criteria: Invitae Variant Classification Sherloc (09022015). Collection method: clinical testing. Allele origin: germline.
Comment: This sequence change replaces valine, which is neutral and non-polar, with alanine, which is neutral and non-polar, at codon 1140 of the ALMS1 protein (p.Val1140Ala). This variant is not present in population databases (gnomAD no frequency). This variant has not been reported in the literature in individuals affected with ALMS1-related conditions. ClinVar contains an entry for this variant (Variation ID: 2155608). Experimental studies and prediction algorithms are not available or were not evaluated, and the functional significance of this variant is currently unknown. In summary, the available evidence is currently insufficient to determine the role of this variant in disease. Therefore, it has been classified as a Variant of Uncertain Significance.